The following is an entry in ClinVar:

NM_145207.3(AFG2A):c.2191G>T (p.Ala731Ser)

Gene: AFG2A (AAA ATPase AFG2A; plus strand). Cytogenetic location: 4q28.1.
Variant type: single nucleotide variant.
Coding change: c.2191G>T on transcript NM_145207.3 (MANE Select); coding-DNA position 2191, G replaced by T.
Protein change: p.Ala731Ser; replaces alanine 731 with serine.
Molecular consequence: missense variant.
Genome position (GRCh38, 1-based): chr4:123,057,266, G>T. VCF-style: chr4-123057266-G-T. GRCh37 (hg19) VCF-style: chr4-123978421-G-T.
Other names: c.2188G>T, p.Ala730Ser (NM_001345856.2); short protein forms A730S, A731S.
Identifiers: ClinVar variation 945773 (VCV000945773.5), dbSNP rs368185089, ClinGen allele CA105268684.
Genomic context (GRCh38, chr4:123,057,266, plus strand): 5'-CAGACCTTCCGAAAAGCAAGAGCAGTGGCGCCTTCCATTATTTTCTTTGATGAACTGGAT[G>T]CCTTAGCAGTTGAAAGGGGCAGGTAAGAAGTATTTAATAGCACTGCTATTACATAATAAT-3'
Protein context (NP_660208.2, residues 721-741): PSIIFFDELD[Ala731Ser]LAVERGSSLG

ClinVar aggregate classification (germline): Uncertain significance. Review status: criteria provided, multiple submitters, no conflicts (2 of 4 stars). 2 submissions from 2 submitters: Uncertain significance (2). Last evaluated 2024-03-08.

Conditions:
Microcephaly-intellectual disability-sensorineural hearing loss-epilepsy-abnormal muscle tone syndrome (NEDHSB). Also called: NEURODEVELOPMENTAL DISORDER WITH HEARING LOSS, SEIZURES, AND BRAIN ABNORMALITIES. Identifiers: Orphanet 457351, MedGen C4225276, MONDO:0014698, OMIM 616577.

Allele frequency attached by ClinVar (database versions not stated): gnomAD 0.00001; gnomAD exomes 0.00001; TOPMed 0.00001.
gnomAD v4.1: 4 of 1,613,702 alleles (0.00025%); highest among the groups gnomAD compares: East Asian, 0.0045%; no homozygotes.

Submissions (2):

Blueprint Genetics
Classification: Uncertain significance. Last evaluated: 2024-03-08. Review status: criteria provided, single submitter. Criteria: ACMG Guidelines, 2015. Collection method: clinical testing. Allele origin: germline.

Labcorp Genetics (formerly Invitae), Labcorp
Classification: Uncertain significance for Microcephaly-intellectual disability-sensorineural hearing loss-epilepsy-abnormal muscle tone syndrome. Last evaluated: 2022-04-01. Review status: criteria provided, single submitter. Criteria: Invitae Variant Classification Sherloc (09022015). Collection method: clinical testing. Allele origin: germline.
Comment: This sequence change replaces alanine, which is neutral and non-polar, with serine, which is neutral and polar, at codon 731 of the SPATA5 protein (p.Ala731Ser). This variant is present in population databases (rs368185089, gnomAD 0.06%). This variant has not been reported in the literature in individuals affected with SPATA5-related conditions. ClinVar contains an entry for this variant (Variation ID: 945773). Advanced modeling of protein sequence and biophysical properties (such as structural, functional, and spatial information, amino acid conservation, physicochemical variation, residue mobility, and thermodynamic stability) performed at Invitae indicates that this missense variant is expected to disrupt SPATA5 protein function. In summary, the available evidence is currently insufficient to determine the role of this variant in disease. Therefore, it has been classified as a Variant of Uncertain Significance.